The following is an entry in ClinVar:

NM_006648.4(WNK2):c.512A>G (p.Asp171Gly)

Gene: WNK2 (WNK lysine deficient protein kinase 2; plus strand). Cytogenetic location: 9q22.31.
Variant type: single nucleotide variant.
Coding change: c.512A>G on transcript NM_006648.4 (MANE Select); coding-DNA position 512, A replaced by G.
Protein change: p.Asp171Gly; replaces aspartic acid 171 with glycine.
Molecular consequence: missense variant.
Genome position (GRCh38, 1-based): chr9:93,185,441, A>G. VCF-style: chr9-93185441-A-G. GRCh37 (hg19) VCF-style: chr9-95947723-A-G.
Other names: c.512A>G, p.Asp171Gly (NM_001282394.3); short protein forms D171G.
Identifiers: ClinVar variation 5031802 (VCV005031802.1).
Genomic context (GRCh38, chr9:93,185,441, plus strand): 5'-TGAGGAAGGAGGATGAGGGGGCGGCCGAGGCGAAGCCTGAGCCCGGGCGCACTCGCCGGG[A>G]CGAGCCCGAAGAGGAGGAGGACGACGAGGACGACCTCAAGGCCGTGGCCACCTCTCTGGA-3'
Protein context (NP_006639.3, residues 161-181): AKPEPGRTRR[Asp171Gly]EPEEEEDDED

ClinVar aggregate classification (germline): Uncertain significance (1 of 4 stars; one submission).

Submission:

Ambry Genetics
Classification: Uncertain significance. Last evaluated: 2026-06-22. Review status: criteria provided, single submitter. Criteria: Ambry Variant Classification Scheme 2023. Collection method: clinical testing. Allele origin: germline.
Comment: The p.D171G variant (also known as c.512A>G), located in coding exon 1 of the WNK2 gene, results from an A to G substitution at nucleotide position 512. The aspartic acid at codon 171 is replaced by glycine, an amino acid with similar properties. This amino acid position is conserved. In addition, this alteration is predicted to be tolerated by in silico analysis. Based on the available evidence, the clinical significance of this variant remains unclear.